The following is an entry in ClinVar:

NM_000256.3(MYBPC3):c.3627+1G>A

Gene: MYBPC3 (myosin binding protein C3; minus strand). Cytogenetic location: 11p11.2.
Variant type: single nucleotide variant.
Coding change: c.3627+1G>A on transcript NM_000256.3 (MANE Select); the canonical splice donor site of the intron after coding-DNA position 3627, G replaced by A.
Molecular consequence: splice donor variant.
Genome position (GRCh38, 1-based): chr11:47,332,565, C>T on the plus strand (G>A on the coding strand, the complement: MYBPC3 is on the minus strand). VCF-style: chr11-47332565-C-T. GRCh37 (hg19) VCF-style: chr11-47354116-C-T.
Identifiers: ClinVar variation 42728 (VCV000042728.25), dbSNP rs397516031, ClinGen allele CA014514.

ClinVar aggregate classification (germline): Pathogenic. Review status: criteria provided, multiple submitters, no conflicts (2 of 4 stars). 8 submissions from 8 submitters: Pathogenic (8). Last evaluated 2026-02-01.

Conditions:
MYBPC3-related disorder. Also called: MYBPC3-related disorders; MYBPC3-related condition; MYBPC3-related disease.
Cardiovascular phenotype. Identifiers: MedGen CN230736.
Cardiomyopathy (CMYO). Also called: Cardiomyopathies. Identifiers: Orphanet 167848, MedGen C0878544, MONDO:0004994, HP:0001638. Inheritance: Various modes of inheritance.
Primary familial hypertrophic cardiomyopathy (HCM). Identifiers: Orphanet 99739, MedGen C0949658, MeSH D024741, MONDO:0024573. Inheritance: Various modes of inheritance.
Hypertrophic cardiomyopathy. Also called: HYPERTROPHIC MYOCARDIOPATHY. Identifiers: Orphanet 217569, MedGen C0007194, MeSH D002312, MONDO:0005045, HP:0001639.

gnomAD v4.1: 1 of 1,605,646 alleles (0.000062%); highest among the groups gnomAD compares: Non-Finnish European, 0.000085%; no homozygotes.

Submissions (8):

Labcorp Genetics (formerly Invitae), Labcorp
Classification: Pathogenic for Hypertrophic cardiomyopathy. Last evaluated: 2026-02-01. Review status: criteria provided, single submitter. Criteria: Invitae Variant Classification Sherloc (09022015). Collection method: clinical testing. Allele origin: germline.
Comment: This sequence change affects a donor splice site in intron 32 of the MYBPC3 gene. It is expected to disrupt RNA splicing. Variants that disrupt the donor or acceptor splice site typically lead to a loss of protein function (PMID: 16199547), and loss-of-function variants in MYBPC3 are known to be pathogenic (PMID: 19574547). This variant is not present in population databases (gnomAD no frequency). Disruption of this splice site has been observed in individual(s) with hypertrophic cardiomyopathy (HCM) (PMID: 9562578, 20031602, 25351510, 27532257). It has also been observed to segregate with disease in related individuals. This variant is also known as Int33DSG+1A. ClinVar contains an entry for this variant (Variation ID: 42728). Algorithms developed to predict the effect of sequence changes on RNA splicing suggest that this variant may disrupt the consensus splice site. For these reasons, this variant has been classified as Pathogenic.

PreventionGenetics, part of Exact Sciences
Classification: Pathogenic for MYBPC3-related condition. Last evaluated: 2024-11-13. Review status: criteria provided, single submitter. Criteria: ACMG Guidelines, 2015. Collection method: clinical testing. Allele origin: germline.
Comment: The MYBPC3 c.3627+1G>A variant is predicted to disrupt the GT donor site and interfere with normal splicing. This variant has been reported in multiple individuals with hypertrophic cardiomyopathy and was documented to segregate with disease (Niimura et al. 1998. PubMed ID: 9562578; Table S1B, Walsh et al. 2017. PubMed ID: 27532257; Additional file 2, Hathaway et al. 2021. PubMed ID: 33673806). This variant has not been reported in a large population database (gnomAD), indicating this variant is rare. Variants that disrupt the consensus splice donor site in MYBPC3 are expected to be pathogenic. This variant is interpreted as pathogenic.

Blueprint Genetics
Classification: Pathogenic for MYBPC3-related disorders. Last evaluated: 2024-04-17. Review status: criteria provided, single submitter. Criteria: ACMG Guidelines, 2015. Collection method: clinical testing. Allele origin: germline. Affected: yes. Observed: 5 variant alleles.

GeneDx
Classification: Pathogenic. Last evaluated: 2023-06-06. Review status: criteria provided, single submitter. Criteria: GeneDx Variant Classification Process June 2021. Collection method: clinical testing. Allele origin: germline. Affected: yes.
Comment: Canonical splice site variant in a gene for which loss-of-function is a known mechanism of disease; Not observed at significant frequency in large population cohorts (gnomAD); This variant is associated with the following publications: (PMID: 11815426, 27532257, 19574547, 34542152, 25351510, 25525159, 9562578, 20031602, 11499718, 33673806, 34135346, 35653365, 34076677)

Women's Health and Genetics/Laboratory Corporation of America, LabCorp
Classification: Pathogenic for Primary familial hypertrophic cardiomyopathy. Last evaluated: 2022-12-19. Review status: criteria provided, single submitter. Criteria: LabCorp Variant Classification Summary - May 2015. Collection method: clinical testing. Allele origin: germline.
Comment: Variant summary: MYBPC3 c.3627+1G>A is located in a canonical splice-site and is predicted to affect mRNA splicing resulting in a significantly altered protein due to either exon skipping, shortening, or inclusion of intronic material. Several computational tools predict a significant impact on normal splicing: Four predict the variant abolishes a 5' splicing donor site. The variant was absent in 246970 control chromosomes. c.3627+1G>A has been reported in the literature in multiple individuals affected with Hypertrophic Cardiomyopathy (examples: Ho_2018, Hathaway_2021, Walsh_2017, Tadros_2021) and was shown to segregate with disease in at least one large family (Nimura_1998). Six clinical diagnostic laboratories have submitted clinical-significance assessments for this variant to ClinVar after 2014 without evidence for independent evaluation. All laboratories classified the variant as pathogenic. Based on the evidence outlined above, the variant was classified as pathogenic.

Ambry Genetics
Classification: Pathogenic for Cardiovascular phenotype. Last evaluated: 2021-05-22. Review status: criteria provided, single submitter. Criteria: Ambry General Variant Classification Scheme_2022. Collection method: clinical testing. Allele origin: germline. Observed: 1 variant allele.
Comment: The c.3627+1G>A intronic pathogenic mutation results from a G to A substitution one nucleotide after coding exon 32 of the MYBPC3 gene. This alteration (referred to as Int33DSG+1A) has been identified in individuals with hypertrophic cardiomyopathy (HCM), confirmed to co-segregate with disease, and reported to result in aberrant RNA splicing (Niimura H et al. N. Engl. J. Med., 1998 Apr;338:1248-57; Ho CY et al. Circ Cardiovasc Genet, 2009 Aug;2:314-21; Lopes LR et al. Heart, 2015 Feb;101:294-301). In addition to the clinical data presented in the literature, alterations that disrupt the canonical splice site are expected to cause aberrant splicing, resulting in an abnormal protein or a transcript that is subject to nonsense-mediated mRNA decay. As such, this alteration is classified as a disease-causing mutation.

Color Diagnostics, LLC DBA Color Health
Classification: Pathogenic for Cardiomyopathy. Last evaluated: 2021-04-19. Review status: criteria provided, single submitter. Criteria: ACMG Guidelines, 2015. Collection method: clinical testing. Allele origin: germline.
Comment: This variant causes a G to A nucleotide substitution at the +1 position of intron 32 of the MYBPC3 gene. This variant is also known as Int33DSG+1A in the literature. Splice site prediction tools predict that this variant may have a significant impact on RNA splicing. Although this prediction has not been confirmed in published RNA studies, this variant is expected to result in an absent or disrupted protein product. This variant has been reported in many individuals affected with hypertrophic cardiomyopathy (PMID: 9562578, 9562578, 20031602, 25351510, 27532257). It has been shown that this variant segregates with disease in one family (PMID: 9562578). This variant has not been identified in the general population by the Genome Aggregation Database (gnomAD). Loss of MYBPC3 function is a known mechanism of disease. Based on the available evidence, this variant is classified as Pathogenic.

Laboratory for Molecular Medicine, Mass General Brigham Personalized Medicine
Classification: Pathogenic for Hypertrophic cardiomyopathy. Last evaluated: 2019-02-01. Review status: criteria provided, single submitter. Criteria: LMM Criteria. Collection method: clinical testing. Allele origin: germline. Inheritance: Autosomal dominant inheritance. Observed: 3 variant alleles.
Comment: The c.3627+1G>A variant in MYBPC3 has been reported in over 8 individuals with hypertrophic cardiomyopathy (HCM) and segregated with disease in over 10 affected individuals in 2 families (Niimura 1998, Maron 2001, Ho 2009, Lopes 2015, Torrado 2017, LMM data). It was absent from large population studies. This variant occurs within the canonical splice site (+/- 1,2) and is predicted to cause altered splicing leading to an abnormal or absent protein. Loss of function of the MYBPC3 gene is an established disease mechanism in autosomal dominant HCM. In vitro functional studies support an impact on protein function (Torrado 2017). In summary, this variant meets criteria to be classified as pathogenic for autosomal dominant HCM. ACMG/AMP criteria applied: PVS1, PP1_Strong, PM2, PS4_Moderate.

Literature cited by the submitters: PubMed 16199547 (cited by Labcorp Genetics (formerly Invitae), Labcorp); PubMed 19574547 (cited by Labcorp Genetics (formerly Invitae), Labcorp); PubMed 9562578 (cited by 4 submitters); PubMed 20031602 (cited by 3 submitters); PubMed 25351510 (cited by 3 submitters); PubMed 27532257 (cited by 3 submitters); PubMed 30297972 (cited by Women's Health and Genetics/Laboratory Corporation of America, LabCorp); PubMed 33673806 (cited by Women's Health and Genetics/Laboratory Corporation of America, LabCorp); PubMed 33495596 (cited by Women's Health and Genetics/Laboratory Corporation of America, LabCorp); PubMed 11499718 (cited by Laboratory for Molecular Medicine, Mass General Brigham Personalized Medicine).